The following is an entry in ClinVar:

NM_000179.3(MSH6):c.604C>T (p.Pro202Ser)

Gene: MSH6 (mutS homolog 6; plus strand). Cytogenetic location: 2p16.3.
Variant type: single nucleotide variant.
Coding change: c.604C>T on transcript NM_000179.3 (MANE Select); coding-DNA position 604, C replaced by T.
Protein change: p.Pro202Ser; replaces proline 202 with serine.
Molecular consequence: missense variant. On other transcripts: 5 prime UTR variant (1), intron variant (2).
Genome position (GRCh38, 1-based): chr2:47,796,040, C>T. VCF-style: chr2-47796040-C-T. GRCh37 (hg19) VCF-style: chr2-48023179-C-T.
Other names: c.-299C>T (NM_001281494.2); c.-279-2571C>T (NM_001281493.2); c.238-2571C>T (NM_001281492.2); short protein forms P202S.
Identifiers: ClinVar variation 920310 (VCV000920310.4), dbSNP rs1064794301, ClinGen allele CA346738862.

ClinVar aggregate classification (germline): Uncertain significance. Review status: criteria provided, multiple submitters, no conflicts (2 of 4 stars). 2 submissions from 2 submitters: Uncertain significance (2). Last evaluated 2024-06-06.

Conditions:
Hereditary cancer-predisposing syndrome. Also called: Neoplastic Syndromes, Hereditary; Tumor predisposition; Hereditary Cancer Syndrome; Hereditary neoplastic syndrome. Identifiers: Orphanet 140162, MedGen C0027672, MeSH D009386, MONDO:0015356.

Submissions (2):

Ambry Genetics
Classification: Uncertain significance for Hereditary cancer-predisposing syndrome. Last evaluated: 2024-06-06. Review status: criteria provided, single submitter. Criteria: Ambry Variant Classification Scheme 2023. Collection method: clinical testing. Allele origin: germline.
Comment: The p.P202S variant (also known as c.604C>T), located in coding exon 3 of the MSH6 gene, results from a C to T substitution at nucleotide position 604. The proline at codon 202 is replaced by serine, an amino acid with similar properties. This amino acid position is conserved. In addition, this alteration is predicted to be tolerated by in silico analysis. Based on the available evidence, the clinical significance of this variant remains unclear.

Color Diagnostics, LLC DBA Color Health
Classification: Uncertain significance for Hereditary cancer-predisposing syndrome. Last evaluated: 2019-09-19. Review status: criteria provided, single submitter. Criteria: ACMG Guidelines, 2015. Collection method: clinical testing. Allele origin: germline.
Comment: This missense variant replaces proline with serine at codon 202 of the MSH6 protein. Computational prediction tool suggests that this variant may not impact protein structure and function (internally defined REVEL score threshold ≤0.5, PMID: 27666373). Splice site prediction tools suggest that this variant may not impact RNA splicing. To our knowledge, functional studies have not been performed for this variant. This variant has not been reported in individuals affected with hereditary cancer in the literature. This variant has not been identified in the general population by the Genome Aggregation Database (gnomAD). The available evidence is insufficient to determine the role of this variant in disease conclusively. Therefore, this variant is classified as a Variant of Uncertain Significance.